The following is an entry in ClinVar:

ClinVar aggregate classification (germline): Conflicting classifications of pathogenicity. Review status: criteria provided, conflicting classifications (1 of 4 stars). 3 submissions from 3 submitters: Pathogenic (1); Uncertain significance (2). Last evaluated 2024-03-05.

Conditions:
Familial thoracic aortic aneurysm and aortic dissection (TAAD). Also called: Thoracic aortic aneurysms and dissections. Identifiers: Orphanet 91387, MedGen C4707243, MONDO:0019625.
Aortic aneurysm, familial thoracic 4 (AAT4). Also called: AORTIC ANEURYSM/AORTIC DISSECTION AND PATENT DUCTUS ARTERIOSUS. Identifiers: MedGen C1851504, MONDO:0007568, OMIM 132900.

Submissions (3):

All of Us Research Program, National Institutes of Health
Classification: Uncertain significance for Familial thoracic aortic aneurysm and aortic dissection. Last evaluated: 2024-03-05. Review status: criteria provided, single submitter. Criteria: ACMG Guidelines, 2015. Collection method: clinical testing. Allele origin: germline. Inheritance: Autosomal dominant inheritance. Observed: 1 variant allele, 1 heterozygote.
Comment: This study involves interpretation of variants in research participants for the purpose of population health screening. Participant phenotype was not available at the time of variant classification. Additional details can be found in publication PMID: 35346344, PMCID: PMC8962531

Color Diagnostics, LLC DBA Color Health
Classification: Uncertain significance for Familial thoracic aortic aneurysm and aortic dissection. Last evaluated: 2024-01-22. Review status: criteria provided, single submitter. Criteria: ACMG Guidelines, 2015. Collection method: clinical testing. Allele origin: germline.
Comment: This variant changes 1 nucleotide in exon 20 of the MYH11 gene, creating a premature translation stop signal. This variant is expected to result in an absent or non-functional protein product. To our knowledge, this variant has not been reported in individuals affected with MYH11-related disorders in the literature. This variant has not been identified in the general population by the Genome Aggregation Database (gnomAD). Clinical relevance of loss-of-function MYH11 truncation variants in autosomal dominant cardiovascular disorders is not clearly established. The available evidence is insufficient to determine the role of this variant in disease conclusively. Therefore, this variant is classified as a Variant of Uncertain Significance.

Labcorp Genetics (formerly Invitae), Labcorp
Classification: Pathogenic for Aortic aneurysm, familial thoracic 4. Last evaluated: 2021-01-27. Review status: criteria provided, single submitter. Criteria: Invitae Variant Classification Sherloc (09022015). Collection method: clinical testing. Allele origin: germline.
Comment: This sequence change creates a premature translational stop signal (p.Arg778*) in the MYH11 gene. It is expected to result in an absent or disrupted protein product. Loss-of-function variants in MYH11 are known to be pathogenic (PMID: 25407000, 29575632). For these reasons, this variant has been classified as Pathogenic. This variant has not been reported in the literature in individuals with MYH11-related conditions. This variant is not present in population databases (ExAC no frequency).

Literature cited by the submitters: PubMed 25407000 (cited by Labcorp Genetics (formerly Invitae), Labcorp); PubMed 29575632 (cited by Labcorp Genetics (formerly Invitae), Labcorp).

NM_002474.3(MYH11):c.2311C>T (p.Arg771Ter)

Gene: MYH11 (myosin heavy chain 11; minus strand). Cytogenetic location: 16p13.11.
Variant type: single nucleotide variant.
Coding change: c.2311C>T on transcript NM_002474.3 (MANE Select); coding-DNA position 2311, C replaced by T.
Protein change: p.Arg771Ter; replaces arginine 771 with a stop codon.
Molecular consequence: nonsense.
Genome position (GRCh38, 1-based): chr16:15,747,670, G>A on the plus strand (C>T on the coding strand, the complement: MYH11 is on the minus strand). VCF-style: chr16-15747670-G-A. GRCh37 (hg19) VCF-style: chr16-15841527-G-A.
Other names: c.2332C>T, p.Arg778Ter (NM_001040113.2, NM_001040114.2); c.2311C>T, p.Arg771Ter (NM_022844.3); short protein forms R771*, R778*.
Identifiers: ClinVar variation 1383854 (VCV001383854.8), dbSNP rs2151260076, ClinGen allele CA394867412.